The following is an entry in ClinVar:

NM_181882.3(PRX):c.3445_3446insAGATGCCACCTGTG (p.Gly1149fs)

Gene: PRX (periaxin; minus strand). Cytogenetic location: 19q13.2.
Variant type: Microsatellite.
Coding change: c.3445_3446insAGATGCCACCTGTG on transcript NM_181882.3 (MANE Select); coding-DNA positions 3445 to 3446, AGATGCCACCTGTG inserted.
Protein change: p.Gly1149fs; shifts the reading frame from glycine 1149.
Molecular consequence: frameshift variant. On other transcripts: 3 prime UTR variant (1).
Genome position: GRCh38 VCF-style: chr19-40394906-C-CCACAGGTGGCATCT. GRCh37 (hg19) VCF-style: chr19-40900813-C-CCACAGGTGGCATCT.
Other names: c.3730_3731insAGATGCCACCTGTG, p.Gly1244fs (NM_001411127.1); c.*3650GA[2]TGCCACCTGTG[1] (NM_020956.2); short protein forms G1244fs, G1149fs.
Identifiers: ClinVar variation 2813333 (VCV002813333.3), dbSNP rs2514799919.

ClinVar aggregate classification (germline): Likely pathogenic (1 of 4 stars; one submission).

Conditions:
Charcot-Marie-Tooth disease type 4. Also called: Charcot-Marie-Tooth disease, type IV; Charcot-Marie-Tooth, Type 4. Identifiers: Orphanet 64749, MedGen C4082197, MONDO:0018995.

Submission:

Labcorp Genetics (formerly Invitae), Labcorp
Classification: Likely pathogenic for Charcot-Marie-Tooth disease type 4. Last evaluated: 2022-11-10. Review status: criteria provided, single submitter. Criteria: Invitae Variant Classification Sherloc (09022015). Collection method: clinical testing. Allele origin: germline.
Comment: This sequence change creates a premature translational stop signal (p.Gly1149Glufs*14) in the PRX gene. While this is not anticipated to result in nonsense mediated decay, it is expected to disrupt the last 313 amino acid(s) of the PRX protein. This variant is not present in population databases (gnomAD no frequency). This variant has not been reported in the literature in individuals affected with PRX-related conditions. This variant disrupts the C-terminus of the PRX protein. Other variant(s) that disrupt this region (p.Glu1322Glyfs*3, p.Gly1258Thrfs*124, p.Glu1235*) have been observed in individuals with PRX-related conditions (PMID: 21840889, 24078732, 29858556). This suggests that this may be a clinically significant region of the protein. In summary, the currently available evidence indicates that the variant is pathogenic, but additional data are needed to prove that conclusively. Therefore, this variant has been classified as Likely Pathogenic.

Literature cited by the submitters: PubMed 21840889; PubMed 24078732; PubMed 29858556.